The following is an entry in ClinVar:

ClinVar aggregate classification (germline): Pathogenic (1 of 4 stars; one submission).

Submission:

GeneDx
Classification: Pathogenic. Last evaluated: 2024-02-05. Review status: criteria provided, single submitter. Criteria: GeneDx Variant Classification Process June 2021. Collection method: clinical testing. Allele origin: germline. Affected: yes.
Comment: Nonsense variant predicted to result in protein truncation or nonsense mediated decay in a gene for which loss of function is a known mechanism of disease; Not observed at significant frequency in large population cohorts (gnomAD); Has not been previously published as pathogenic or benign to our knowledge

NM_001127222.2(CACNA1A):c.2899G>T (p.Glu967Ter)

Gene: CACNA1A (calcium voltage-gated channel subunit alpha1 A; minus strand). Cytogenetic location: 19p13.13.
Variant type: single nucleotide variant.
Coding change: c.2899G>T on transcript NM_001127222.2 (MANE Select); coding-DNA position 2899, G replaced by T.
Protein change: p.Glu967Ter; replaces glutamic acid 967 with a stop codon.
Molecular consequence: nonsense.
Genome position (GRCh38, 1-based): chr19:13,298,734, C>A on the plus strand (G>T on the coding strand, the complement: CACNA1A is on the minus strand). VCF-style: chr19-13298734-C-A. GRCh37 (hg19) VCF-style: chr19-13409548-C-A.
Other names: c.2911G>T, p.Glu971Ter (NM_000068.4, NM_023035.3); c.2902G>T, p.Glu968Ter (NM_001127221.2, NM_001174080.2); short protein forms E968*, E967*, E971*.
Identifiers: ClinVar variation 431919 (VCV000431919.3), dbSNP rs1555755929, ClinGen allele CA404342494.
Genomic context (GRCh38, chr19:13,298,734, plus strand): 5'-GGGCCGGCCGGCTGCCCTCGCGGTGCCGCGCCCTCCGCTCCGCCTTGTCCTCCGGACCCT[C>A]CTCCCCGGGCCTGCGGTGCGCGCGATGACGTCGATGCTCCCCGTCCGCGCCCGTGCGCGG-3'